The following is an entry in ClinVar:

NM_001322934.2(NFKB2):c.1590C>T (p.Pro530=)

Gene: NFKB2 (nuclear factor kappa B subunit 2; plus strand). Cytogenetic location: 10q24.32.
Variant type: single nucleotide variant.
Coding change: c.1590C>T on transcript NM_001322934.2 (MANE Select); coding-DNA position 1590, C replaced by T.
Protein change: p.Pro530=; no amino-acid change (proline 530 retained).
Molecular consequence: synonymous variant.
Genome position (GRCh38, 1-based): chr10:102,400,283, C>T. VCF-style: chr10-102400283-C-T. GRCh37 (hg19) VCF-style: chr10-104160040-C-T.
Other names: c.1590C>T, p.Pro530= (NM_001077494.3, NM_001261403.3, NM_001288724.1 and 1 more transcripts); c.1464C>T, p.Pro488= (NM_001322935.1).
Identifiers: ClinVar variation 747701 (VCV000747701.13), dbSNP rs369780227, ClinGen allele CA5664860.

ClinVar aggregate classification (germline): Likely benign. Review status: criteria provided, multiple submitters, no conflicts (2 of 4 stars). 3 submissions from 3 submitters: Likely benign (2). 1 of the submissions does not count toward it. Last evaluated 2025-12-15.

Conditions:
NFKB2-related disorder. Also called: NFKB2-related condition.
Immunodeficiency, common variable, 10. Also called: IMMUNODEFICIENCY, COMMON VARIABLE, WITH CENTRAL ADRENAL INSUFFICIENCY; DEFICIT IN ANTERIOR PITUITARY FUNCTION AND VARIABLE IMMUNODEFICIENCY. Identifiers: MedGen C3809991, MONDO:0014260, OMIM 615577.

Allele frequency attached by ClinVar (database versions not stated): gnomAD exomes 0.00002 and 0.00005; ExAC 0.00007; TOPMed 0.00012; gnomAD 0.00015 and 0.00016; ESP Exome Variant Server 0.00024; 1000 Genomes Project 30x 0.00031; 1000 Genomes Project 0.00040.
gnomAD v4.1: 46 of 1,614,086 alleles (0.0028%); highest among the groups gnomAD compares: African/African-American, 0.04%; no homozygotes.

Submissions (3):

Labcorp Genetics (formerly Invitae), Labcorp
Classification: Likely benign for Immunodeficiency, common variable, 10. Last evaluated: 2025-12-15. Review status: criteria provided, single submitter. Criteria: Invitae Variant Classification Sherloc (09022015). Collection method: clinical testing. Allele origin: germline.

Blueprint Genetics
Classification: Likely benign. Last evaluated: 2023-06-21. Review status: criteria provided, single submitter. Criteria: ACMG Guidelines, 2015. Collection method: clinical testing. Allele origin: germline.

PreventionGenetics, part of Exact Sciences
Classification: Likely benign for NFKB2-related condition. Last evaluated: 2024-07-23. Review status: no assertion criteria provided. Collection method: clinical testing. Allele origin: germline. Not counted in ClinVar's aggregate classification.
Comment: This variant is classified as likely benign based on ACMG/AMP sequence variant interpretation guidelines (Richards et al. 2015 PMID: 25741868, with internal and published modifications).